The following is an entry in ClinVar:

NM_005633.4(SOS1):c.1034C>A (p.Ala345Asp)

Gene: SOS1 (SOS Ras/Rac guanine nucleotide exchange factor 1; minus strand). Cytogenetic location: 2p22.1.
Variant type: single nucleotide variant.
Coding change: c.1034C>A on transcript NM_005633.4 (MANE Select); coding-DNA position 1034, C replaced by A.
Protein change: p.Ala345Asp; replaces alanine 345 with aspartic acid.
Molecular consequence: missense variant.
Genome position (GRCh38, 1-based): chr2:39,035,252, G>T on the plus strand (C>A on the coding strand, the complement: SOS1 is on the minus strand). VCF-style: chr2-39035252-G-T. GRCh37 (hg19) VCF-style: chr2-39262393-G-T.
Other names: c.1013C>A, p.Ala338Asp (NM_001382394.1); c.1034C>A, p.Ala345Asp (NM_001382395.1); short protein forms A345D, A338D.
Identifiers: ClinVar variation 1989815 (VCV001989815.4), dbSNP rs1670304367, ClinGen allele CA346367149.

ClinVar aggregate classification (germline): Uncertain significance (1 of 4 stars; one submission).

Conditions:
RASopathy. Also called: rasopathies; Noonan spectrum disorder. Identifiers: Orphanet 536391, MedGen C5555857, MONDO:0021060.

Submission:

Labcorp Genetics (formerly Invitae), Labcorp
Classification: Uncertain significance for RASopathy. Last evaluated: 2022-08-22. Review status: criteria provided, single submitter. Criteria: Invitae Variant Classification Sherloc (09022015). Collection method: clinical testing. Allele origin: germline.
Comment: In summary, the available evidence is currently insufficient to determine the role of this variant in disease. Therefore, it has been classified as a Variant of Uncertain Significance. Algorithms developed to predict the effect of missense changes on protein structure and function are either unavailable or do not agree on the potential impact of this missense change (SIFT: "Deleterious"; PolyPhen-2: "Benign"; Align-GVGD: "Class C0"). This variant has not been reported in the literature in individuals affected with SOS1-related conditions. This variant is not present in population databases (gnomAD no frequency). This sequence change replaces alanine, which is neutral and non-polar, with aspartic acid, which is acidic and polar, at codon 345 of the SOS1 protein (p.Ala345Asp).